The following is an entry in ClinVar:

NM_001276270.2(MBD4):c.1033_1035del (p.Asn345del)

Gene: MBD4 (methyl-CpG binding domain 4, DNA glycosylase; minus strand). Cytogenetic location: 3q21.3.
Variant type: Deletion.
Coding change: c.1033_1035del on transcript NM_001276270.2 (MANE Select); coding-DNA positions 1033 to 1035, 3 bases deleted (AAC; older notation c.1033_1035delAAC).
Protein change: p.Asn345del; deletes asparagine 345.
Molecular consequence: inframe deletion. On other transcripts: intron variant (1).
Genome position (GRCh38, 1-based): chr3:129,436,609-129,436,611, GTT deleted on the plus strand (AAC on the coding strand, the reverse complement: MBD4 is on the minus strand); deleting any 3 consecutive bases within chr3:129,436,609-129,436,613 gives the same sequence; the c. name uses the placement nearest the transcript's 3' end. VCF-style (leftmost placement, unchanged base first): chr3-129436608-CGTT-C. GRCh37 (hg19) VCF-style: chr3-129155451-CGTT-C.
Other names: c.1033_1035del, p.Asn345del (NM_001276271.2, NM_001276272.2, NM_003925.3); c.247+1197_247+1199del (NM_001276273.2); c.1033_1035delAAC (NM_001276270.2); short protein forms N345del.
Identifiers: ClinVar variation 2907906 (VCV002907906.3), dbSNP rs2072466133, ClinGen allele CA1401178642.
Genomic context (GRCh38, chr3:129,436,608, plus strand): 5'-CCACAACTTCTACTTTTGTTCCGATTTCTTCAGATTCTAAAAAGGTATCCTCATACTTCT[CGTT>C]GTGTTCTGAGTCTTTGGCTGAACAAAATTTGTTTATGATGCCAGAAGTTTTTTGTTCAGA-3'

ClinVar aggregate classification (germline): Uncertain significance. Review status: criteria provided, multiple submitters, no conflicts (2 of 4 stars). 2 submissions from 2 submitters: Uncertain significance (2). Last evaluated 2025-05-08.

Conditions:
Inborn genetic diseases. Identifiers: MedGen C0950123, MeSH D030342.

Submissions (2):

Ambry Genetics
Classification: Uncertain significance for Inborn genetic diseases. Last evaluated: 2025-05-08. Review status: criteria provided, single submitter. Criteria: Ambry Variant Classification Scheme 2023. Collection method: clinical testing. Allele origin: germline.
Comment: The c.1033_1035delAAC variant (also known as p.N345del) is located in coding exon 3 of the MBD4 gene. This variant results from an in-frame AAC deletion at nucleotide positions 1033 to 1035. This results in the in-frame deletion of an asparagine at codon 345. This amino acid position is not well conserved in available vertebrate species. In addition, this variant is predicted to be neutral by in silico analysis (Choi Y et al. PLoS ONE. 2012; 7(10):e46688). Based on the available evidence, the clinical significance of this variant remains unclear.

Labcorp Genetics (formerly Invitae), Labcorp
Classification: Uncertain significance. Last evaluated: 2025-01-19. Review status: criteria provided, single submitter. Criteria: Invitae Variant Classification Sherloc (09022015). Collection method: clinical testing. Allele origin: germline.
Comment: This variant, c.1033_1035del, results in the deletion of 1 amino acid(s) of the MBD4 protein (p.Asn345del), but otherwise preserves the integrity of the reading frame. This variant is not present in population databases (gnomAD no frequency). This variant has not been reported in the literature in individuals affected with MBD4-related conditions. ClinVar contains an entry for this variant (Variation ID: 2907906). Experimental studies and prediction algorithms are not available or were not evaluated, and the functional significance of this variant is currently unknown. In summary, the available evidence is currently insufficient to determine the role of this variant in disease. Therefore, it has been classified as a Variant of Uncertain Significance.